The following is an entry in ClinVar:

ClinVar aggregate classification (germline): Uncertain significance. Review status: criteria provided, multiple submitters, no conflicts (2 of 4 stars). 3 submissions from 3 submitters: Uncertain significance (3). Last evaluated 2026-08-16.

Conditions:
Familial thoracic aortic aneurysm and aortic dissection (TAAD). Also called: Thoracic aortic aneurysms and dissections. Identifiers: Orphanet 91387, MedGen C4707243, MONDO:0019625.
Shprintzen-Goldberg syndrome (SGS). Also called: CRANIOSYNOSTOSIS WITH ARACHNODACTYLY AND ABDOMINAL HERNIAS; Marfanoid disorder with craniosynostosis type 1; Marfanoid craniosynostosis syndrome; Shprintzen-Goldberg marfanoid syndrome; SHPRINTZEN-GOLDBERG CRANIOSYNOSTOSIS SYNDROME. Identifiers: Orphanet 2462, MedGen C1321551, MONDO:0008426, OMIM 182212.

Allele frequency attached by ClinVar (database versions not stated): gnomAD exomes 0.00002.

Submissions (3):

Ambry Genetics
Classification: Uncertain significance for Familial thoracic aortic aneurysm and aortic dissection. Last evaluated: 2026-08-16. Review status: criteria provided, single submitter. Criteria: Ambry Variant Classification Scheme 2023. Collection method: clinical testing. Allele origin: germline.
Comment: The p.A4V variant (also known as c.11C>T), located in coding exon 1 of the SKI gene, results from a C to T substitution at nucleotide position 11. The alanine at codon 4 is replaced by valine, an amino acid with similar properties. This amino acid position is conserved. In addition, this alteration is predicted to be tolerated by in silico analysis. Based on the available evidence, the clinical significance of this variant remains unclear.

Labcorp Genetics (formerly Invitae), Labcorp
Classification: Uncertain significance for Shprintzen-Goldberg syndrome. Last evaluated: 2024-04-07. Review status: criteria provided, single submitter. Criteria: Invitae Variant Classification Sherloc (09022015). Collection method: clinical testing. Allele origin: germline.
Comment: This sequence change replaces alanine, which is neutral and non-polar, with valine, which is neutral and non-polar, at codon 4 of the SKI protein (p.Ala4Val). This variant is not present in population databases (gnomAD no frequency). This variant has not been reported in the literature in individuals affected with SKI-related conditions. ClinVar contains an entry for this variant (Variation ID: 426734). Advanced modeling of protein sequence and biophysical properties (such as structural, functional, and spatial information, amino acid conservation, physicochemical variation, residue mobility, and thermodynamic stability) performed at Invitae indicates that this missense variant is not expected to disrupt SKI protein function with a negative predictive value of 95%. In summary, the available evidence is currently insufficient to determine the role of this variant in disease. Therefore, it has been classified as a Variant of Uncertain Significance.

GeneDx
Classification: Uncertain significance. Last evaluated: 2017-04-06. Review status: criteria provided, single submitter. Criteria: GeneDx Variant Classification (06012015). Collection method: clinical testing. Allele origin: germline. Affected: yes.
Comment: The A4V variant of uncertain significance in the SKI gene has not been published as pathogenic or been reported as benign to our knowledge. Data from control individuals was not available to assess whether A4V may be a common benign variant in the general population. However, the A4V variant is a conservative amino acid substitution, which is not likely to impact secondary protein structure as these residues share similar properties. Furthermore, this substitution occurs at a position that is not conserved across species, and in silico analysis predicts this variant likely does not alter the protein structure/function.

NM_003036.4(SKI):c.11C>T (p.Ala4Val)

Gene: SKI (SKI proto-oncogene; plus strand). Cytogenetic location: 1p36.33.
Variant type: single nucleotide variant.
Coding change: c.11C>T on transcript NM_003036.4 (MANE Select); coding-DNA position 11, C replaced by T.
Protein change: p.Ala4Val; replaces alanine 4 with valine.
Molecular consequence: missense variant.
Genome position (GRCh38, 1-based): chr1:2,228,777, C>T. VCF-style: chr1-2228777-C-T. GRCh37 (hg19) VCF-style: chr1-2160216-C-T.
Other names: short protein forms A4V.
Identifiers: ClinVar variation 426734 (VCV000426734.11), dbSNP rs1085307767, ClinGen allele CA337951871.